The following is an entry in ClinVar:

NM_000530.8(MPZ):c.200_201del (p.Arg67fs)

Gene: MPZ (myelin protein zero; minus strand). Cytogenetic location: 1q23.3.
Variant type: Microsatellite.
Coding change: c.200_201del on transcript NM_000530.8 (MANE Select); coding-DNA positions 200 to 201, 2 bases deleted (GC; older notation c.200_201delGC).
Protein change: p.Arg67fs; shifts the reading frame from arginine 67.
Molecular consequence: frameshift variant.
Genome position (GRCh38, 1-based): chr1:161,307,291-161,307,292, GC deleted on the plus strand (GC on the coding strand, the reverse complement: MPZ is on the minus strand); deleting any 2 consecutive bases within chr1:161,307,291-161,307,294 gives the same sequence; the c. name uses the placement nearest the transcript's 3' end. VCF-style (leftmost placement, unchanged base first): chr1-161307290-AGC-A. GRCh37 (hg19) VCF-style: chr1-161277080-AGC-A.
Other names: c.200_201del, p.Arg67fs (NM_001315491.2); c.200_201delGC (NM_000530.6); short protein forms R67fs.
Identifiers: ClinVar variation 917144 (VCV000917144.8), dbSNP rs1670284480, ClinGen allele CA1139656407.

ClinVar aggregate classification (germline): Pathogenic/Likely pathogenic. Review status: criteria provided, multiple submitters, no conflicts (2 of 4 stars). 4 submissions from 4 submitters: Pathogenic (3); Likely pathogenic (1). Last evaluated 2024-03-15.

Conditions:
MPZ-related disorder. Also called: MPZ-related condition; MPZ-related disorders.
Charcot-Marie-Tooth disease, type I (CMT1). Also called: Charcot-Marie-Tooth, Type 1; Charcot-Marie-Tooth disease type 1. Identifiers: Orphanet 65753, MedGen C0751036, MONDO:0019011.
Charcot-Marie-Tooth disease. Also called: Charcot-Marie-Tooth Neuropathy; Charcot-Marie-Tooth Hereditary Neuropathy. Identifiers: Orphanet 166, MedGen C0007959, MONDO:0015626.

Submissions (4):

Blueprint Genetics
Classification: Pathogenic for MPZ-related disorders. Last evaluated: 2024-03-15. Review status: criteria provided, single submitter. Criteria: ACMG Guidelines, 2015. Collection method: clinical testing. Allele origin: germline. Affected: yes. Observed: 1 variant allele.

Labcorp Genetics (formerly Invitae), Labcorp
Classification: Pathogenic for Charcot-Marie-Tooth disease, type I. Last evaluated: 2022-12-17. Review status: criteria provided, single submitter. Criteria: Invitae Variant Classification Sherloc (09022015). Collection method: clinical testing. Allele origin: germline.
Comment: For these reasons, this variant has been classified as Pathogenic. ClinVar contains an entry for this variant (Variation ID: 917144). This premature translational stop signal has been observed in individual(s) with Charcot-Marie-Tooth disease (PMID: 32376792). This variant is not present in population databases (gnomAD no frequency). This sequence change creates a premature translational stop signal (p.Arg67Leufs*23) in the MPZ gene. It is expected to result in an absent or disrupted protein product. Loss-of-function variants in MPZ are known to be pathogenic (PMID: 14711881).

Athena Diagnostics
Classification: Likely pathogenic. Last evaluated: 2021-06-07. Review status: criteria provided, single submitter. Criteria: Athena Diagnostics Criteria. Collection method: clinical testing. Allele origin: unknown.
Comment: This variant is expected to result in the loss of a functional protein. This variant has not been reported in large, multi-ethnic general populations.

Molecular Genetics Laboratory, London Health Sciences Centre
Classification: Pathogenic for Charcot-Marie-Tooth disease. Review status: criteria provided, single submitter. Criteria: ACMG Guidelines, 2015. Collection method: clinical testing. Allele origin: germline. Affected: yes.

Literature cited by the submitters: PubMed 32376792 (cited by Labcorp Genetics (formerly Invitae), Labcorp and Athena Diagnostics); PubMed 14711881 (cited by Labcorp Genetics (formerly Invitae), Labcorp).